The following is an entry in ClinVar:

ClinVar aggregate classification (germline): Conflicting classifications of pathogenicity. Review status: criteria provided, conflicting classifications (1 of 4 stars). 3 submissions from 3 submitters: Uncertain significance (2); Likely benign (1). Last evaluated 2024-07-05.

Conditions:
Inborn genetic diseases. Identifiers: MedGen C0950123, MeSH D030342.
Hereditary spastic paraplegia 48. Also called: SPASTIC PARAPLEGIA 48, AUTOSOMAL RECESSIVE; Spastic paraplegia 48. Identifiers: Orphanet 306511, MedGen C3150901, MONDO:0013342, OMIM 613647.

Allele frequency attached by ClinVar (database versions not stated): gnomAD 0.00001; gnomAD exomes 0.00001; ExAC 0.00002; TOPMed 0.00002.
gnomAD v4.1: 6 of 1,612,008 alleles (0.00037%); highest among the groups gnomAD compares: African/African-American, 0.0067%; no homozygotes.

Submissions (3):

Ambry Genetics
Classification: Likely benign for Inborn genetic diseases. Last evaluated: 2024-07-05. Review status: criteria provided, single submitter. Criteria: Ambry Variant Classification Scheme 2023. Collection method: clinical testing. Allele origin: germline.

Diagnostics Services (NGS), CSIR - Centre For Cellular And Molecular Biology
Classification: Uncertain significance for Hereditary spastic paraplegia 48. Last evaluated: 2021-06-16. Review status: criteria provided, single submitter. Criteria: ACMG Guidelines, 2015. Collection method: clinical testing. Allele origin: unknown. Inheritance: Autosomal recessive inheritance. Affected: yes. Observed: 1 variant allele, 1 heterozygote.
Comment: The c.869G>A variant is not present in publicly available population databases like 1000 Genomes and Exome Variant Server (EVS). The heterozygous state of the variant is present in Exome Aggregation Consortium (ExAC), Genome Aggregation Database (gnomAD) and dbSNP at a very low frequency. The variant is not present in Indian Exome Database and in our in-house exome database. The variant was not earlier reported to ClinVar, Human Genome Mutation Database (HGMD) and/or OMIM databases in any affected individuals. Prediction from different in-silico pathogenicity prediction programs like SIFT, PolyPhen-3, MutationTaster2, CADD, Varsome etc. are contradictory. Due to lack of enough evidence the variant has been classified as uncertain significance.

Victorian Clinical Genetics Services, Murdoch Childrens Research Institute
Classification: Uncertain significance for Hereditary spastic paraplegia 48. Last evaluated: 2020-05-21. Review status: criteria provided, single submitter. Criteria: ACMG Guidelines, 2015. Collection method: clinical testing. Allele origin: germline. Inheritance: Autosomal recessive inheritance. Affected: yes.
Comment: Based on the classification scheme VCGS_Germline_v1.1.1, this variant is classified as VUS – 3C. Following criteria are met: 0102 - Loss-of-function is a known mechanism of disease for this gene. (N) 0106 - This gene is known to be associated with autosomal recessive disease. (N) 0200 - Variant is predicted to result in a missense amino acid change from arginine to glutamine. (N) 0251 - Variant is heterozygous. (N) 0304 - Variant is present in gnomAD <0.01 for a recessive condition (2 Het, 0 Hom). (P) 0309 - An alternative amino acid change at the same position has been observed in gnomAD (7 Het, 0 Hom). (N) 0503 - Missense variant consistently predicted to be tolerated or not conserved in mammals with a minor amino acid change. (B) 0604 - Variant is not located in an established domain, motif, hotspot or informative constraint region. (N) 0708 – A comparable variant has been previously reported as a VUS (ClinVar) (N) 0807 - Variant has not previously been reported in a clinical context. (N) 0905 - No segregation evidence has been identified for this variant. (N) 1007 - No published functional evidence has been identified for this variant. (N) Legend: (P) - Pathogenic, (N) - Neutral, (B) - Benign

NM_014855.3(AP5Z1):c.869G>A (p.Arg290Gln)

Gene: AP5Z1 (adaptor related protein complex 5 subunit zeta 1; plus strand). Cytogenetic location: 7p22.1.
Variant type: single nucleotide variant.
Coding change: c.869G>A on transcript NM_014855.3 (MANE Select); coding-DNA position 869, G replaced by A.
Protein change: p.Arg290Gln; replaces arginine 290 with glutamine.
Molecular consequence: missense variant. On other transcripts: non-coding transcript variant (1).
Genome position (GRCh38, 1-based): chr7:4,784,986, G>A. VCF-style: chr7-4784986-G-A. GRCh37 (hg19) VCF-style: chr7-4824617-G-A.
Other names: c.401G>A, p.Arg134Gln (NM_001364858.1); c.869G>A (NM_014855.2); short protein forms R134Q, R290Q.
Identifiers: ClinVar variation 1329466 (VCV001329466.5), dbSNP rs778734781, ClinGen allele CA4137433.